The following is an entry in ClinVar:

ClinVar aggregate classification (germline): Uncertain significance. Review status: criteria provided, multiple submitters, no conflicts (2 of 4 stars). 3 submissions from 3 submitters: Uncertain significance (3). Last evaluated 2025-11-18.

Conditions:
Cardiovascular phenotype. Identifiers: MedGen CN230736.
Catecholaminergic polymorphic ventricular tachycardia 1. Also called: RYR2-Related Catecholaminergic Polymorphic Ventricular Tachycardia; VENTRICULAR TACHYCARDIA, CATECHOLAMINERGIC POLYMORPHIC, 1, WITH OR WITHOUT ATRIAL DYSFUNCTION AND/OR DILATED CARDIOMYOPATHY; VENTRICULAR TACHYCARDIA, STRESS-INDUCED POLYMORPHIC 1. Identifiers: Orphanet 3286, MedGen C1631597, MONDO:0011484, OMIM 604772.

gnomAD v4.1: 1 of 1,613,910 alleles (0.000062%); highest among the groups gnomAD compares: Non-Finnish European, 0.000085%; no homozygotes.

Submissions (3):

Labcorp Genetics (formerly Invitae), Labcorp
Classification: Uncertain significance for Catecholaminergic polymorphic ventricular tachycardia 1. Last evaluated: 2025-11-18. Review status: criteria provided, single submitter. Criteria: Invitae Variant Classification Sherloc (09022015). Collection method: clinical testing. Allele origin: germline.
Comment: This sequence change replaces glutamic acid, which is acidic and polar, with lysine, which is basic and polar, at codon 243 of the RYR2 protein (p.Glu243Lys). This variant is not present in population databases (gnomAD no frequency). This missense change has been observed in individual(s) with catecholaminergic polymorphic ventricular tachycardia (CPVT) or RYR2-related clinical features (PMID: 19398665, 19926015, 21954897, 29453246). ClinVar contains an entry for this variant (Variation ID: 201200). Invitae Evidence Modeling of protein sequence and biophysical properties (such as structural, functional, and spatial information, amino acid conservation, physicochemical variation, residue mobility, and thermodynamic stability) has been performed for this missense variant. However, the output from this modeling did not meet the statistical confidence thresholds required to predict the impact of this variant on RYR2 protein function. In summary, the available evidence is currently insufficient to determine the role of this variant in disease. Therefore, it has been classified as a Variant of Uncertain Significance.

Ambry Genetics
Classification: Uncertain significance for Cardiovascular phenotype. Last evaluated: 2025-07-28. Review status: criteria provided, single submitter. Criteria: Ambry Variant Classification Scheme 2023. Collection method: clinical testing. Allele origin: germline.
Comment: The p.E243K variant (also known as c.727G>A), located in coding exon 10 of the RYR2 gene, results from a G to A substitution at nucleotide position 727. The glutamic acid at codon 243 is replaced by lysine, an amino acid with similar properties. This variant was reported in individual(s) with features that may be consistent with RYR2-related ventricular arrhythmia (Medeiros-Domingo A et al. J Am Coll Cardiol, 2009 Nov;54:2065-74; Hayashi M et al. Circulation, 2009 May;119:2426-34; Marjamaa A et al. J Cardiovasc Electrophysiol, 2012 Feb;23:194-9; Kapplinger JD et al. Circ Genom Precis Med, 2018 Feb;11:e001424; Roston TM et al. Circ Arrhythm Electrophysiol, 2015 Jun;8:633-42). This amino acid position is highly conserved in available vertebrate species. In addition, this alteration is predicted to be deleterious by in silico analysis. Based on the available evidence, the clinical significance of this variant remains unclear.

GeneDx
Classification: Uncertain significance. Last evaluated: 2018-03-16. Review status: criteria provided, single submitter. Criteria: GeneDx Variant Classification (06012015). Collection method: clinical testing. Allele origin: germline. Affected: yes.
Comment: The E243K variant in the RYR2 gene has been reported in one individual with definitive CPVT and one individual with either strong or possible CPVT (Hayashi et al., 2009; Medeiros-Domingo et al., 2009). The E243K variant was not observed in approximately 6500 individuals of European and African American ancestry in the NHLBI Exome Sequencing Project, indicating it is not a common benign variant in these populations. The E243K variant is a non-conservative amino acid substitution, which is likely to impact secondary protein structure as these residues differ in polarity, charge, size and/or other properties, and this substitution occurs at a position that is conserved across species. In silico analysis predicts this variant is probably damaging to the protein structure/function. The E243K variant is located in one of the three hot-spot regions of the RYR2 gene, where the majority of pathogenic missense mutations occur (Medeiros-Domingo et al., 2009). Although this region is not a channel functional domain and there are no nearby definitively pathogenic variants, a handful of individuals identified by GeneDx to harbor this variant reported syncope and/or sudden cardiac arrest and at least one individual had syncope with exertion, suggesting that this variant may be pathogenic, but segregation data is limited or absent for these individuals due to the lack of clinical information provided and/or insufficient participation by informative family members. Furthermore, no individual carrying this variant reported a clearly strong clinical diagnosis of CPVT or ARVC, and some individuals harbored additional cardiogenetic variants of uncertain significance. Therefore, based on the currently available information, it is unclear whether this variant is a pathogenic variant or a rare benign variant

Literature cited by the submitters: PubMed 19398665 (cited by Labcorp Genetics (formerly Invitae), Labcorp and Ambry Genetics); PubMed 19926015 (cited by Labcorp Genetics (formerly Invitae), Labcorp and Ambry Genetics); PubMed 21954897 (cited by Labcorp Genetics (formerly Invitae), Labcorp and Ambry Genetics); PubMed 29453246 (cited by Labcorp Genetics (formerly Invitae), Labcorp and Ambry Genetics); PubMed 25713214 (cited by Ambry Genetics).

NM_001035.3(RYR2):c.727G>A (p.Glu243Lys)

Gene: RYR2 (ryanodine receptor 2; plus strand). Cytogenetic location: 1q43.
Variant type: single nucleotide variant.
Coding change: c.727G>A on transcript NM_001035.3 (MANE Select); coding-DNA position 727, G replaced by A.
Protein change: p.Glu243Lys; replaces glutamic acid 243 with lysine.
Molecular consequence: missense variant.
Genome position (GRCh38, 1-based): chr1:237,388,137, G>A. VCF-style: chr1-237388137-G-A. GRCh37 (hg19) VCF-style: chr1-237551437-G-A.
Other names: p.E243K:GAG>AAG; c.727G>A, p.Glu243Lys (LRG_402t1); short protein forms E243K.
Identifiers: ClinVar variation 201200 (VCV000201200.16), dbSNP rs794728712, ClinGen allele CA010664.